The following is an entry in ClinVar:

NM_001330260.2(SCN8A):c.3131G>A (p.Cys1044Tyr)

Gene: SCN8A (sodium voltage-gated channel alpha subunit 8; plus strand). Cytogenetic location: 12q13.13.
Variant type: single nucleotide variant.
Coding change: c.3131G>A on transcript NM_001330260.2 (MANE Select); coding-DNA position 3131, G replaced by A.
Protein change: p.Cys1044Tyr; replaces cysteine 1044 with tyrosine.
Molecular consequence: missense variant.
Genome position (GRCh38, 1-based): chr12:51,769,094, G>A. VCF-style: chr12-51769094-G-A. GRCh37 (hg19) VCF-style: chr12-52162878-G-A.
Other names: c.3131G>A, p.Cys1044Tyr (NM_001177984.3, NM_001369788.1, NM_014191.4); short protein forms C1044Y.
Identifiers: ClinVar variation 4975413 (VCV004975413.1).

ClinVar aggregate classification (germline): Uncertain significance (1 of 4 stars; one submission).

gnomAD v4.1: 2 of 1,613,676 alleles (0.00012%); highest among the groups gnomAD compares: South Asian, 0.0011%; no homozygotes.

Submission:

GeneDx
Classification: Uncertain significance. Last evaluated: 2026-01-22. Review status: criteria provided, single submitter. Criteria: GeneDx Variant Classification Process June 2021. Collection method: clinical testing. Allele origin: germline.
Comment: In silico analysis supports that this missense variant has a deleterious effect on protein structure/function; Has not been previously published as pathogenic or benign to our knowledge; This substitution is predicted to be within the cytoplasmic loop between the second and third homologous domains